The following is an entry in ClinVar:

NM_182961.4(SYNE1):c.20941G>T (p.Asp6981Tyr)

Gene: SYNE1 (spectrin repeat containing nuclear envelope protein 1; minus strand). Cytogenetic location: 6q25.2.
Variant type: single nucleotide variant.
Coding change: c.20941G>T on transcript NM_182961.4 (MANE Select); coding-DNA position 20941, G replaced by T.
Protein change: p.Asp6981Tyr; replaces aspartic acid 6981 with tyrosine.
Molecular consequence: missense variant.
Genome position (GRCh38, 1-based): chr6:152,231,489, C>A on the plus strand (G>T on the coding strand, the complement: SYNE1 is on the minus strand). VCF-style: chr6-152231489-C-A. GRCh37 (hg19) VCF-style: chr6-152552624-C-A.
Other names: c.20728G>T, p.Asp6910Tyr (NM_033071.5); short protein forms D6981Y, D6910Y.
Identifiers: ClinVar variation 2088823 (VCV002088823.2), dbSNP rs775138465, ClinGen allele CA4054290.

ClinVar aggregate classification (germline): Uncertain significance (1 of 4 stars; one submission).

Conditions:
Emery-Dreifuss muscular dystrophy 4, autosomal dominant (EDMD4). Also called: EMERY-DREIFUSS MUSCULAR DYSTROPHY 4 WITH VARIABLE FEATURES. Identifiers: Orphanet 261, MedGen C2751807, MONDO:0013071, OMIM 612998.
Autosomal recessive ataxia, Beauce type. Also called: SYNE1 Deficiency; Spinocerebellar ataxia, autosomal recessive 8; ATAXIA, RECESSIVE, OF BEAUCE; SYNE1-Related Autosomal Recessive Cerebellar Ataxia. Identifiers: Orphanet 88644, MedGen C1853116, MONDO:0012549, OMIM 610743.

Allele frequency attached by ClinVar (database versions not stated): gnomAD exomes 0.00001; ExAC 0.00002.
gnomAD v4.1: 8 of 1,614,156 alleles (0.0005%); highest among the groups gnomAD compares: South Asian, 0.0077%; no homozygotes.

Submission:

Labcorp Genetics (formerly Invitae), Labcorp
Classification: Uncertain significance for Emery-Dreifuss muscular dystrophy 4, autosomal dominant; Autosomal recessive ataxia, Beauce type. Last evaluated: 2022-01-21. Review status: criteria provided, single submitter. Criteria: Invitae Variant Classification Sherloc (09022015). Collection method: clinical testing. Allele origin: germline.
Comment: In summary, the available evidence is currently insufficient to determine the role of this variant in disease. Therefore, it has been classified as a Variant of Uncertain Significance. Algorithms developed to predict the effect of sequence changes on RNA splicing suggest that this variant may create or strengthen a splice site. Algorithms developed to predict the effect of missense changes on protein structure and function (SIFT, PolyPhen-2, Align-GVGD) all suggest that this variant is likely to be disruptive. This variant has not been reported in the literature in individuals affected with SYNE1-related conditions. This variant is present in population databases (rs775138465, gnomAD 0.02%). This sequence change replaces aspartic acid, which is acidic and polar, with tyrosine, which is neutral and polar, at codon 6910 of the SYNE1 protein (p.Asp6910Tyr).